The following is an entry in ClinVar:

ClinVar aggregate classification (germline): Uncertain significance (1 of 4 stars; one submission).

Conditions:
Hereditary cancer-predisposing syndrome. Also called: Tumor predisposition; Neoplastic Syndromes, Hereditary; Hereditary Cancer Syndrome; Hereditary neoplastic syndrome. Identifiers: Orphanet 140162, MedGen C0027672, MeSH D009386, MONDO:0015356.

Submission:

Ambry Genetics
Classification: Uncertain significance for Hereditary cancer-predisposing syndrome. Last evaluated: 2025-01-25. Review status: criteria provided, single submitter. Criteria: Ambry Variant Classification Scheme 2023. Collection method: clinical testing. Allele origin: germline.
Comment: The p.K714N variant (also known as c.2142G>T), located in coding exon 15 of the APC gene, results from a G to T substitution at nucleotide position 2142. The lysine at codon 714 is replaced by asparagine, an amino acid with similar properties. This amino acid position is conserved. In addition, in silico predictors for this gene do not accurately predict pathogenicity. Based on the available evidence, the clinical significance of this variant remains unclear.

NM_000038.6(APC):c.2142G>T (p.Lys714Asn)

Gene: APC (APC regulator of Wnt signaling pathway; plus strand). Cytogenetic location: 5q22.2.
Variant type: single nucleotide variant.
Coding change: c.2142G>T on transcript NM_000038.6 (MANE Select); coding-DNA position 2142, G replaced by T.
Protein change: p.Lys714Asn; replaces lysine 714 with asparagine.
Molecular consequence: missense variant. On other transcripts: non-coding transcript variant (2).
Genome position (GRCh38, 1-based): chr5:112,837,736, G>T. VCF-style: chr5-112837736-G-T. GRCh37 (hg19) VCF-style: chr5-112173433-G-T.
Other names: c.2142G>T, p.Lys714Asn (NM_001127510.3, NM_001354895.2, NM_001407450.1); c.2088G>T, p.Lys696Asn (NM_001127511.3); c.2196G>T, p.Lys732Asn (NM_001354896.2, NM_001407447.1, NM_001407448.1 and 1 more transcripts); c.2172G>T, p.Lys724Asn (NM_001354897.2); c.2067G>T, p.Lys689Asn (NM_001354898.2); c.2058G>T, p.Lys686Asn (NM_001354899.2); c.2019G>T, p.Lys673Asn (NM_001354900.2); c.1965G>T, p.Lys655Asn (NM_001354901.2, NM_001407453.1); and 11 more; short protein forms K431N, K585N, K588N, K655N, K704N, K732N, K554N, K707N.
Identifiers: ClinVar variation 3881990 (VCV003881990.1).